The following is an entry in ClinVar:

NM_000501.4(ELN):c.18G>A (p.Ala6=)

Gene: ELN (elastin; plus strand). Cytogenetic location: 7q11.23.
Variant type: single nucleotide variant.
Coding change: c.18G>A on transcript NM_000501.4 (MANE Select); coding-DNA position 18, G replaced by A.
Protein change: p.Ala6=; no amino-acid change (alanine 6 retained).
Molecular consequence: synonymous variant.
Genome position (GRCh38, 1-based): chr7:74,028,205, G>A. VCF-style: chr7-74028205-G-A. GRCh37 (hg19) VCF-style: chr7-73442535-G-A.
Other names: c.18G>A, p.Ala6= (NM_001081752.3, NM_001081753.3, NM_001081754.3 and 9 more transcripts); c.18G>A (NM_000501.3).
Identifiers: ClinVar variation 568329 (VCV000568329.11), dbSNP rs542540015, ClinGen allele CA4292211.

ClinVar aggregate classification (germline): Likely benign. Review status: criteria provided, multiple submitters, no conflicts (2 of 4 stars). 3 submissions from 3 submitters: Likely benign (2). 1 of the submissions does not count toward it. Last evaluated 2025-10-18.

Conditions:
ELN-related disorder.
Supravalvar aortic stenosis (SVAS). Also called: Supravalvar aortic stenosis, Eisenberg type. Identifiers: Orphanet 3193, MedGen C0003499, MONDO:0008504, OMIM 185500, HP:0004381.

Allele frequency attached by ClinVar (database versions not stated): ExAC 0.00001; gnomAD exomes 0.00001; gnomAD 0.00004 and 0.00007; TOPMed 0.00011.
gnomAD v4.1: 35 of 1,610,888 alleles (0.0022%); highest among the groups gnomAD compares: Middle Eastern, 0.017%; no homozygotes.

Submissions (3):

Labcorp Genetics (formerly Invitae), Labcorp
Classification: Likely benign for Supravalvar aortic stenosis. Last evaluated: 2025-10-18. Review status: criteria provided, single submitter. Criteria: Invitae Variant Classification Sherloc (09022015). Collection method: clinical testing. Allele origin: germline.

Blueprint Genetics
Classification: Likely benign. Last evaluated: 2021-03-03. Review status: criteria provided, single submitter. Criteria: ACMG Guidelines, 2015. Collection method: clinical testing. Allele origin: germline.

PreventionGenetics, part of Exact Sciences
Classification: Likely benign for ELN-related condition. Last evaluated: 2024-08-03. Review status: no assertion criteria provided. Collection method: clinical testing. Allele origin: germline. Not counted in ClinVar's aggregate classification.
Comment: This variant is classified as likely benign based on ACMG/AMP sequence variant interpretation guidelines (Richards et al. 2015 PMID: 25741868, with internal and published modifications).